The following is an entry in ClinVar:

ClinVar aggregate classification (germline): Pathogenic/Likely pathogenic. Review status: criteria provided, multiple submitters, no conflicts (2 of 4 stars). 4 submissions from 4 submitters: Pathogenic (3); Likely pathogenic (1). Last evaluated 2025-12-16.

Conditions:
X-linked Alport syndrome (ATS1). Also called: NEPHROPATHY AND DEAFNESS, X-LINKED; COL4A5-Related Nephropathy. Identifiers: Orphanet 63, Orphanet 88917, MedGen C4746986, MONDO:0010520, OMIM 301050.

Submissions (4):

3billion
Classification: Pathogenic for X-linked Alport syndrome. Last evaluated: 2025-12-16. Review status: criteria provided, single submitter. Criteria: ACMG Guidelines, 2015. Collection method: clinical testing. Allele origin: germline. Affected: yes.
Comment: The variant is not observed in the gnomAD v4.1.0 dataset. Predicted Consequence/Location: The variant is located in a mutational hot spot and/or well-established functional domain in which established pathogenic variants have been reported (N/A). In silico tool predictions suggest damaging effect of the variant on gene or gene product [REVEL: 0.98 (>=0.6, sensitivity 0.68 and specificity 0.92); 3Cnet: 0.86 (> 0.75, sensitivity 0.96 and precision 0.92)]. The same nucleotide change resulting in the same amino acid change has been previously reported as pathogenic/likely pathogenic with strong evidence (ClinVar ID: VCV000024364 /PMID: 8738805). Different missense changes at the same codon (p.Gly365Ala, p.Gly365Arg, p.Gly365Val) have been reported as pathogenic/likely pathogenic with strong evidence (ClinVar ID: VCV001074914 /PMID: 28632965, 38972501). Therefore, this variant is classified as Pathogenic according to the recommendation of ACMG/AMP guideline.

GeneDx
Classification: Pathogenic. Last evaluated: 2025-01-09. Review status: criteria provided, single submitter. Criteria: GeneDx Variant Classification Process June 2021. Collection method: clinical testing. Allele origin: germline.
Comment: Affects a glycine residue in a Gly-X-Y motif in the triple helical region of the COL4A5 gene, where the majority of pathogenic missense variants occur, and is predicted to disrupt normal protein folding and function (HGMD; PMID: 10752524); Not observed at significant frequency in large population cohorts (gnomAD); In silico analysis supports that this missense variant has a deleterious effect on protein structure/function; This variant is associated with the following publications: (PMID: 26934356, 9195222, 10752524, 8738805)

Fulgent Genetics
Classification: Likely pathogenic for X-linked Alport syndrome. Last evaluated: 2023-12-28. Review status: criteria provided, single submitter. Criteria: ACMG Guidelines, 2015. Collection method: clinical testing. Allele origin: germline.

Genetic Diagnostic Laboratory, University of Szeged
Classification: Pathogenic for X-linked Alport syndrome. Last evaluated: 2016-02-02. Review status: criteria provided, single submitter. Criteria: Genetic Diagnostic Assertion Criteria ver.1 Jan.2016. Collection method: clinical testing. Allele origin: inherited. Affected: yes. Observed: 2 variant alleles, 1 hemizygote.

Literature cited by the submitters: PubMed 28632965 (cited by 3billion); PubMed 8738805 (cited by 3billion).

NM_033380.3(COL4A5):c.1094G>A (p.Gly365Glu)

Gene: COL4A5 (collagen type IV alpha 5 chain; plus strand). Cytogenetic location: Xq22.3.
Variant type: single nucleotide variant.
Coding change: c.1094G>A on transcript NM_033380.3 (MANE Select); coding-DNA position 1094, G replaced by A.
Protein change: p.Gly365Glu; replaces glycine 365 with glutamic acid.
Molecular consequence: missense variant.
Genome position (GRCh38, 1-based): chrX:108,586,676, G>A. VCF-style: chrX-108586676-G-A. GRCh37 (hg19) VCF-style: chrX-107829906-G-A.
Other names: c.1094G>A, p.Gly365Glu (NM_000495.5); c.1094G>A (NM_033380.1); short protein forms G365E.
Identifiers: ClinVar variation 24364 (VCV000024364.7), dbSNP rs104886096, ClinGen allele CA258397.